The following is an entry in ClinVar:

NM_001197104.2(KMT2A):c.4723T>C (p.Cys1575Arg)

Gene: KMT2A (lysine methyltransferase 2A; plus strand). Cytogenetic location: 11q23.3.
Variant type: single nucleotide variant.
Coding change: c.4723T>C on transcript NM_001197104.2 (MANE Select); coding-DNA position 4723, T replaced by C.
Protein change: p.Cys1575Arg; replaces cysteine 1575 with arginine.
Molecular consequence: missense variant.
Genome position (GRCh38, 1-based): chr11:118,491,222, T>C. VCF-style: chr11-118491222-T-C. GRCh37 (hg19) VCF-style: chr11-118361937-T-C.
Other names: c.4822T>C, p.Cys1608Arg (NM_001412597.1); c.4723T>C, p.Cys1575Arg (NM_005933.4); short protein forms C1575R, C1608R.
Identifiers: ClinVar variation 3603209 (VCV003603209.1).

ClinVar aggregate classification (germline): Uncertain significance (1 of 4 stars; one submission).

Submission:

GeneDx
Classification: Uncertain significance. Last evaluated: 2024-08-05. Review status: criteria provided, single submitter. Criteria: GeneDx Variant Classification Process June 2021. Collection method: clinical testing. Allele origin: germline. Affected: yes.
Comment: Not observed at significant frequency in large population cohorts (gnomAD); In silico analysis supports that this missense variant has a deleterious effect on protein structure/function; Has not been previously published as pathogenic or benign to our knowledge